The following is an entry in ClinVar:

ClinVar aggregate classification (germline): Uncertain significance (1 of 4 stars; one submission).

Conditions:
Hereditary cancer-predisposing syndrome. Also called: Tumor predisposition; Neoplastic Syndromes, Hereditary; Hereditary neoplastic syndrome; Hereditary Cancer Syndrome. Identifiers: Orphanet 140162, MedGen C0027672, MeSH D009386, MONDO:0015356.

Submission:

Ambry Genetics
Classification: Uncertain significance for Hereditary cancer-predisposing syndrome. Last evaluated: 2025-08-25. Review status: criteria provided, single submitter. Criteria: Ambry Variant Classification Scheme 2023. Collection method: clinical testing. Allele origin: germline.
Comment: The p.G139E variant (also known as c.416G>A), located in coding exon 1 of the MET gene, results from a G to A substitution at nucleotide position 416. The glycine at codon 139 is replaced by glutamic acid, an amino acid with similar properties. This amino acid position is conserved. In addition, this alteration is predicted to be deleterious by in silico analysis. Based on the available evidence, the clinical significance of this variant remains unclear.

NM_000245.4(MET):c.416G>A (p.Gly139Glu)

Gene: MET (MET proto-oncogene, receptor tyrosine kinase; plus strand). Cytogenetic location: 7q31.2.
Variant type: single nucleotide variant.
Coding change: c.416G>A on transcript NM_000245.4 (MANE Select); coding-DNA position 416, G replaced by A.
Protein change: p.Gly139Glu; replaces glycine 139 with glutamic acid.
Molecular consequence: missense variant. On other transcripts: intron variant (1).
Genome position (GRCh38, 1-based): chr7:116,699,500, G>A. VCF-style: chr7-116699500-G-A. GRCh37 (hg19) VCF-style: chr7-116339554-G-A.
Other names: c.416G>A, p.Gly139Glu (NM_001127500.3, NM_001324401.3); c.-91+26923G>A (NM_001324402.2); short protein forms G139E.
Identifiers: ClinVar variation 4106802 (VCV004106802.1).